The following is an entry in ClinVar:

ClinVar aggregate classification (germline): Pathogenic (1 of 4 stars; one submission).

Submission:

Clinical Genomics Laboratory, Laboratory for Precision Diagnostics, University of Washington
Classification: Pathogenic. Last evaluated: 2023-03-13. Review status: criteria provided, single submitter. Criteria: ACMG/ClinGen CNV Guidelines, 2019. Collection method: clinical testing. Allele origin: unknown. Affected: yes. Observed: 1 variant allele.
Comment: An approximately 3.76 Mb heterozygous deletion in 8p21.3 was detected in this uncultured amniotic fluid specimen. This alteration is a recurrent microdeletion that contains 63 protein-coding genes. Deletions of this region of 8p23.1 have been reported in a number of individuals. Clinical features described in this 8p23.1 microdeletion syndrome include structural cardiac abnormalities (ranging from septal defects and pulmonic stenosis to complex anomalies), congenital diaphragmatic hernia, microcephaly, behavioral challenges (hyperactivity, impulsiveness), growth restriction, seizure disorders, and mild cognitive disability (see PMID:23239632 and PMID:20969981 for reviews).

Literature cited by the submitters: PubMed 20969981; PubMed 18470924; PubMed 17602449; PubMed 23239632; PubMed 23696316; PubMed 16700088; PubMed 26263419; PubMed 10521848; PubMed 15937941; PubMed 19606479; PubMed 23138528.

GRCh38/hg38 8p23.1(chr8:8247837-12003336)x1

Genes: BLK (BLK proto-oncogene, Src family tyrosine kinase), BLK-AS1 (BLK antisense RNA 1), C8orf74 (chromosome 8 open reading frame 74), CLDN23 (claudin 23), CRE3 (CRE3 CAGE-defined tissue-specific enhancer) and 192 more. Cytogenetic location: 8p23.1.
Variant type: copy number loss.
Change: copy number 1 (one copy instead of two) of chr8:8,247,837-12,003,336 (3.76 Mb, GRCh38 coordinates, 1-based), cytogenetic band 8p23.1.
Identifiers: ClinVar variation 4890926 (VCV004890926.1).